The following is an entry in ClinVar:

NM_001135649.3(FOXI3):c.970_971del (p.Val324fs)

Gene: FOXI3 (forkhead box I3; minus strand). Cytogenetic location: 2p11.2.
Variant type: Microsatellite.
Coding change: c.970_971del on transcript NM_001135649.3 (MANE Select); coding-DNA positions 970 to 971, 2 bases deleted (GT; older notation c.970_971delGT).
Protein change: p.Val324fs; shifts the reading frame from valine 324.
Molecular consequence: frameshift variant.
Genome position (GRCh38, 1-based): chr2:88,448,499-88,448,500, AC deleted on the plus strand (GT on the coding strand, the reverse complement: FOXI3 is on the minus strand); deleting any 2 consecutive bases within chr2:88,448,499-88,448,502 gives the same sequence; the c. name uses the placement nearest the transcript's 3' end. VCF-style (leftmost placement, unchanged base first): chr2-88448498-GAC-G. GRCh37 (hg19) VCF-style: chr2-88748017-GAC-G.
Other names: short protein forms V324fs.
Identifiers: ClinVar variation 2066379 (VCV002066379.4), dbSNP rs2528909679, ClinGen allele CA2580611675.
Genomic context (GRCh38, chr2:88,448,498, plus strand): 5'-CCCCTGGATCCCTAGGTGGCGGCTGCCAGGGAGAGCCCGCTGGGTACTCACACTGCTGCT[GAC>G]ACTCAAGGAGCTGAGGCTGCTGAAGAAAGTGTTGAGACAAGGGGTGGAGGTGAGCATGGG-3'

ClinVar aggregate classification (germline): Uncertain significance (1 of 4 stars; one submission).

Submission:

Labcorp Genetics (formerly Invitae), Labcorp
Classification: Uncertain significance. Last evaluated: 2024-10-22. Review status: criteria provided, single submitter. Criteria: Invitae Variant Classification Sherloc (09022015). Collection method: clinical testing. Allele origin: germline.
Comment: This sequence change creates a premature translational stop signal (p.Val324Glnfs*47) in the FOXI3 gene. While this is not anticipated to result in nonsense mediated decay, it is expected to disrupt the last 97 amino acid(s) of the FOXI3 protein. This variant is not present in population databases (gnomAD no frequency). This variant has not been reported in the literature in individuals affected with FOXI3-related conditions. Experimental studies and prediction algorithms are not available or were not evaluated, and the functional significance of this variant is currently unknown. In summary, the available evidence is currently insufficient to determine the role of this variant in disease. Therefore, it has been classified as a Variant of Uncertain Significance.